The following is an entry in ClinVar:

NM_004329.3(BMPR1A):c.545G>T (p.Ser182Ile)

Gene: BMPR1A (bone morphogenetic protein receptor type 1A; plus strand). Cytogenetic location: 10q23.2.
Variant type: single nucleotide variant.
Coding change: c.545G>T on transcript NM_004329.3 (MANE Select); coding-DNA position 545, G replaced by T.
Protein change: p.Ser182Ile; replaces serine 182 with isoleucine.
Molecular consequence: missense variant.
Genome position (GRCh38, 1-based): chr10:86,912,254, G>T. VCF-style: chr10-86912254-G-T. GRCh37 (hg19) VCF-style: chr10-88672011-G-T.
Other names: c.545G>T, p.Ser182Ile (NM_001406562.1, NM_001406573.1, NM_001406579.1 and 20 more transcripts); c.461G>T, p.Ser154Ile (NM_001406584.1, NM_001406585.1, NM_001406586.1 and 2 more transcripts); c.620G>T, p.Ser207Ile (NM_001406559.1); c.593G>T, p.Ser198Ile (NM_001406560.1); short protein forms S207I, S154I, S182I, S198I.
Identifiers: ClinVar variation 2037516 (VCV002037516.4), dbSNP rs1341015567, ClinGen allele CA377454174.
Genomic context (GRCh38, chr10:86,912,254, plus strand): 5'-ATAGTTTTTCATTTTTAATGTAGATTGTTTTCTGCTTTTTTAAAAGACATTATTGCAAGA[G>T]CATCTCAAGCAGACGTCGTTACAATCGTGATTTGGAACAGGATGAAGCATTTATTCCAGT-3'
Protein context (NP_004320.2, residues 172-192): SCFCYKHYCK[Ser182Ile]ISSRRRYNRD

ClinVar aggregate classification (germline): Uncertain significance (1 of 4 stars; one submission).

Conditions:
Juvenile polyposis syndrome (JPS). Identifiers: Orphanet 2929, MedGen C0345893, MONDO:0017380, OMIM 174900.

Submission:

Labcorp Genetics (formerly Invitae), Labcorp
Classification: Uncertain significance for Juvenile polyposis syndrome. Last evaluated: 2021-12-08. Review status: criteria provided, single submitter. Criteria: Invitae Variant Classification Sherloc (09022015). Collection method: clinical testing. Allele origin: germline.
Comment: This sequence change replaces serine, which is neutral and polar, with isoleucine, which is neutral and non-polar, at codon 182 of the BMPR1A protein (p.Ser182Ile). This variant is not present in population databases (gnomAD no frequency). This variant has not been reported in the literature in individuals affected with BMPR1A-related conditions. Advanced modeling of protein sequence and biophysical properties (such as structural, functional, and spatial information, amino acid conservation, physicochemical variation, residue mobility, and thermodynamic stability) performed at Invitae indicates that this missense variant is not expected to disrupt BMPR1A protein function. In summary, the available evidence is currently insufficient to determine the role of this variant in disease. Therefore, it has been classified as a Variant of Uncertain Significance.